The following is an entry in ClinVar:

NM_001003841.3(SLC6A19):c.277G>T (p.Gly93Trp)

Gene: SLC6A19 (solute carrier family 6 member 19; plus strand). Cytogenetic location: 5p15.33.
Variant type: single nucleotide variant.
Coding change: c.277G>T on transcript NM_001003841.3 (MANE Select); coding-DNA position 277, G replaced by T.
Protein change: p.Gly93Trp; replaces glycine 93 with tryptophan.
Molecular consequence: missense variant.
Genome position (GRCh38, 1-based): chr5:1,208,820, G>T. VCF-style: chr5-1208820-G-T. GRCh37 (hg19) VCF-style: chr5-1208935-G-T.
Other names: short protein forms G93W.
Identifiers: ClinVar variation 4808711 (VCV004808711.1).

ClinVar aggregate classification (germline): Likely pathogenic (1 of 4 stars; one submission).

gnomAD v4.1: 1 of 1,613,224 alleles (0.000062%); highest among the groups gnomAD compares: East Asian, 0.0022%; no homozygotes.

Submission:

Labcorp Genetics (formerly Invitae), Labcorp
Classification: Likely pathogenic. Last evaluated: 2026-01-26. Review status: criteria provided, single submitter. Criteria: Invitae Variant Classification Sherloc (09022015). Collection method: clinical testing. Allele origin: germline.
Comment: This sequence change replaces glycine, which is neutral and non-polar, with tryptophan, which is neutral and slightly polar, at codon 93 of the SLC6A19 protein (p.Gly93Trp). This variant is present in population databases (rs757679627, gnomAD 0.006%). This variant has not been reported in the literature in individuals affected with SLC6A19-related conditions. Invitae Evidence Modeling of protein sequence and biophysical properties (such as structural, functional, and spatial information, amino acid conservation, physicochemical variation, residue mobility, and thermodynamic stability) indicates that this missense variant is expected to disrupt SLC6A19 protein function with a positive predictive value of 95%. This variant disrupts the p.Gly93 amino acid residue in SLC6A19. Other variant(s) that disrupt this residue have been determined to be pathogenic (PMID: 18484095, 21814048). This suggests that this residue is clinically significant, and that variants that disrupt this residue are likely to be disease-causing. In summary, the currently available evidence indicates that the variant is pathogenic, but additional data are needed to prove that conclusively. Therefore, this variant has been classified as Likely Pathogenic.

Literature cited by the submitters: PubMed 18484095; PubMed 21814048.